The following is an entry in ClinVar:

NM_001278293.3(ARL6):c.535+122A>T

Gene: ARL6 (ARF like GTPase 6; plus strand). Cytogenetic location: 3q11.2.
Variant type: single nucleotide variant.
Coding change: c.535+122A>T on transcript NM_001278293.3 (MANE Select); 122 bases into the intron after coding-DNA position 535, A replaced by T.
Molecular consequence: intron variant.
Genome position (GRCh38, 1-based): chr3:97,791,948, A>T. VCF-style: chr3-97791948-A-T. GRCh37 (hg19) VCF-style: chr3-97510792-A-T.
Other names: c.535+122A>T (NM_032146.5, NM_177976.3); c.536-5A>T (NM_001323513.2); c.479+3829A>T (NM_001323514.2).
Identifiers: ClinVar variation 4995667 (VCV004995667.1).

ClinVar aggregate classification (germline): Uncertain significance (1 of 4 stars; one submission).

Conditions:
ARL6-related disorder. Also called: ARL6-related condition.

Submission:

PreventionGenetics, part of Exact Sciences
Classification: Uncertain significance for ARL6-related condition. Last evaluated: 2026-06-24. Review status: criteria provided, single submitter. Criteria: ACMG Guidelines, 2015. Collection method: clinical testing. Allele origin: germline.
Comment: The ARL6 c.536-5A>T variant is predicted to interfere with splicing. To our knowledge, this variant has not been reported in the literature or in a large population database (gnomAD), indicating this variant is rare. At this time, the clinical significance of this variant is uncertain due to the absence of conclusive functional and genetic evidence.